The following is an entry in ClinVar:

NM_015365.3(AMMECR1):c.220del (p.Gln74fs)

Genes: AMMECR1 (AMMECR nuclear protein 1; minus strand), LOC130068555 (ATAC-STARR-seq lymphoblastoid silent region 20940; plus strand). Cytogenetic location: Xq23.
Variant type: Deletion.
Coding change: c.220del on transcript NM_015365.3 (MANE Select); coding-DNA position 220, one base deleted (C; older notation c.220delC).
Protein change: p.Gln74fs; shifts the reading frame from glutamine 74.
Molecular consequence: frameshift variant. On other transcripts: intron variant (1).
Genome position (GRCh38, 1-based): chrX:110,317,852, G deleted on the plus strand (C on the coding strand, the reverse complement: AMMECR1 is on the minus strand); the first of 7 consecutive G bases (chrX:110,317,852-110,317,858); deleting any one gives the same sequence. VCF-style (leftmost placement, unchanged base first): chrX-110317851-TG-T. GRCh37 (hg19) VCF-style: chrX-109561079-TG-T.
Other names: c.220del, p.Gln74fs (NM_001025580.2); c.-147-3del (NM_001171689.2); short protein forms Q74fs.
Identifiers: ClinVar variation 4689804 (VCV004689804.1).

ClinVar aggregate classification (germline): Pathogenic (1 of 4 stars; one submission).

Submission:

GeneDx
Classification: Pathogenic. Last evaluated: 2025-07-29. Review status: criteria provided, single submitter. Criteria: GeneDx Variant Classification Process June 2021. Collection method: clinical testing. Allele origin: germline. Affected: yes.
Comment: Frameshift variant predicted to result in protein truncation or nonsense mediated decay in a gene for which loss of function is a known mechanism of disease; Has not been previously published as pathogenic or benign to our knowledge